The following is an entry in ClinVar:

NM_031471.6(FERMT3):c.213G>C (p.Gln71His)

Gene: FERMT3 (FERM domain containing kindlin 3; plus strand). Cytogenetic location: 11q13.1.
Variant type: single nucleotide variant.
Coding change: c.213G>C on transcript NM_031471.6 (MANE Select); coding-DNA position 213, G replaced by C.
Protein change: p.Gln71His; replaces glutamine 71 with histidine.
Molecular consequence: missense variant. On other transcripts: 5 prime UTR variant (2).
Genome position (GRCh38, 1-based): chr11:64,210,663, G>C. VCF-style: chr11-64210663-G-C. GRCh37 (hg19) VCF-style: chr11-63978135-G-C.
Other names: c.213G>C, p.Gln71His (NM_001382361.1, NM_001382362.1, NM_001382448.1 and 1 more transcripts); c.-328G>C (NM_001382363.1, NM_001382364.1); short protein forms Q71H.
Identifiers: ClinVar variation 1969245 (VCV001969245.2), dbSNP rs1200354303, ClinGen allele CA381080970.

ClinVar aggregate classification (germline): Uncertain significance (1 of 4 stars; one submission).

Conditions:
Leukocyte adhesion deficiency 3. Also called: Leukocyte adhesion deficiency, type III; INTEGRIN ACTIVATION DEFICIENCY DISEASE; LEUKOCYTE ADHESION DEFICIENCY 1 VARIANT. Identifiers: Orphanet 2968, Orphanet 99844, MedGen C2748536, MONDO:0013016, OMIM 612840.

Allele frequency attached by ClinVar (database versions not stated): TOPMed below 0.00001; gnomAD 0.00001.
gnomAD v4.1: 2 of 1,614,014 alleles (0.00012%); highest among the groups gnomAD compares: African/African-American, 0.0027%; no homozygotes.

Submission:

Labcorp Genetics (formerly Invitae), Labcorp
Classification: Uncertain significance for Leukocyte adhesion deficiency 3. Last evaluated: 2022-05-12. Review status: criteria provided, single submitter. Criteria: Invitae Variant Classification Sherloc (09022015). Collection method: clinical testing. Allele origin: germline.
Comment: This sequence change replaces glutamine, which is neutral and polar, with histidine, which is basic and polar, at codon 71 of the FERMT3 protein (p.Gln71His). This variant is not present in population databases (gnomAD no frequency). This variant has not been reported in the literature in individuals affected with FERMT3-related conditions. Algorithms developed to predict the effect of missense changes on protein structure and function (SIFT, PolyPhen-2, Align-GVGD) all suggest that this variant is likely to be tolerated. In summary, the available evidence is currently insufficient to determine the role of this variant in disease. Therefore, it has been classified as a Variant of Uncertain Significance.